The following is an entry in ClinVar:

ClinVar aggregate classification (germline): Likely pathogenic (1 of 4 stars; one submission).

Submission:

GeneDx
Classification: Likely pathogenic. Last evaluated: 2023-04-24. Review status: criteria provided, single submitter. Criteria: GeneDx Variant Classification Process June 2021. Collection method: clinical testing. Allele origin: germline. Affected: yes.
Comment: Not observed at significant frequency in large population cohorts (gnomAD); In silico analysis supports a deleterious effect on splicing; In silico analysis supports that this missense variant has a deleterious effect on protein structure/function; Has not been previously published as pathogenic or benign to our knowledge

NM_020338.4(ZMIZ1):c.2710G>A (p.Gly904Arg)

Gene: ZMIZ1 (zinc finger MIZ-type containing 1; plus strand). Cytogenetic location: 10q22.3.
Variant type: single nucleotide variant.
Coding change: c.2710G>A on transcript NM_020338.4 (MANE Select); coding-DNA position 2710, G replaced by A.
Protein change: p.Gly904Arg; replaces glycine 904 with arginine.
Molecular consequence: missense variant.
Genome position (GRCh38, 1-based): chr10:79,307,446, G>A. VCF-style: chr10-79307446-G-A. GRCh37 (hg19) VCF-style: chr10-81067203-G-A.
Other names: short protein forms G904R.
Identifiers: ClinVar variation 2499825 (VCV002499825.1), dbSNP rs2492218279, ClinGen allele CA377343354.